The following is an entry in ClinVar:

ClinVar aggregate classification (germline): Uncertain significance (1 of 4 stars; one submission).

Allele frequency attached by ClinVar (database versions not stated): gnomAD exomes 0.00003; ExAC 0.00003; gnomAD 0.00004; TOPMed 0.00004.
gnomAD v4.1: 48 of 1,613,564 alleles (0.003%); highest among the groups gnomAD compares: African/African-American, 0.0067%; no homozygotes.

Submission:

Labcorp Genetics (formerly Invitae), Labcorp
Classification: Uncertain significance. Last evaluated: 2022-04-20. Review status: criteria provided, single submitter. Criteria: Invitae Variant Classification Sherloc (09022015). Collection method: clinical testing. Allele origin: germline.
Comment: In summary, the available evidence is currently insufficient to determine the role of this variant in disease. Therefore, it has been classified as a Variant of Uncertain Significance. Algorithms developed to predict the effect of missense changes on protein structure and function output the following: SIFT: "Tolerated"; PolyPhen-2: "Benign"; Align-GVGD: "Class C0". The methionine amino acid residue is found in multiple mammalian species, which suggests that this missense change does not adversely affect protein function. This variant has not been reported in the literature in individuals affected with NAXE-related conditions. This variant is present in population databases (rs767961095, gnomAD 0.007%). This sequence change replaces threonine, which is neutral and polar, with methionine, which is neutral and non-polar, at codon 175 of the NAXE protein (p.Thr175Met).

NM_144772.3(NAXE):c.524C>T (p.Thr175Met)

Gene: NAXE (NAD(P)HX epimerase; plus strand). Cytogenetic location: 1q22.
Variant type: single nucleotide variant.
Coding change: c.524C>T on transcript NM_144772.3 (MANE Select); coding-DNA position 524, C replaced by T.
Protein change: p.Thr175Met; replaces threonine 175 with methionine.
Molecular consequence: missense variant.
Genome position (GRCh38, 1-based): chr1:156,593,415, C>T. VCF-style: chr1-156593415-C-T. GRCh37 (hg19) VCF-style: chr1-156563207-C-T.
Other names: short protein forms T175M.
Identifiers: ClinVar variation 2076020 (VCV002076020.4), dbSNP rs767961095, ClinGen allele CA1162822.
Genomic context (GRCh38, chr1:156,593,415, plus strand): 5'-AAGGCTGTTTGTGCAGCTGCTGGCTCTGACATCCTTTTCCTGCTCCACCACAGCCCATGA[C>T]GATTGATGAACTGTATGAGCTGGTGGTGGATGCCATCTTTGGCTTCAGCTTCAAGGGCGA-3'
Protein context (NP_658985.2, residues 165-185): FLGEMPAEPM[Thr175Met]IDELYELVVD